The following is an entry in ClinVar:

NM_001903.5(CTNNA1):c.1296+10T>G

Gene: CTNNA1 (catenin alpha 1; plus strand). Cytogenetic location: 5q31.2.
Variant type: single nucleotide variant.
Coding change: c.1296+10T>G on transcript NM_001903.5 (MANE Select); 10 bases into the intron after coding-DNA position 1296, T replaced by G.
Molecular consequence: intron variant.
Genome position (GRCh38, 1-based): chr5:138,887,652, T>G. VCF-style: chr5-138887652-T-G. GRCh37 (hg19) VCF-style: chr5-138223341-T-G.
Other names: c.1296+10T>G (NM_001323982.2, NM_001323984.2, NM_001290307.3 and 3 more transcripts); c.927+10T>G (NM_001290310.3); c.987+10T>G (NM_001290309.3); c.186+10T>G (NM_001323996.1, NM_001323993.1, NM_001324005.1 and 18 more transcripts); c.-212+10T>G (NM_001324007.1, NM_001324009.1, NM_001324006.1 and 1 more transcripts); c.-87+10T>G (NM_001324013.1); c.-58+12055T>G (NM_001324012.1); c.-61+12055T>G (NM_001324010.1).
Identifiers: ClinVar variation 3773248 (VCV003773248.1).

ClinVar aggregate classification (germline): Likely benign (1 of 4 stars; one submission).

Conditions:
Hereditary diffuse gastric adenocarcinoma (HDGC). Also called: DIFFUSE GASTRIC AND LOBULAR BREAST CANCER SYNDROME. Identifiers: Orphanet 26106, MedGen C1708349, MONDO:0007648, OMIM 137215.

Submission:

Myriad Genetics, Inc.
Classification: Likely benign for Hereditary diffuse gastric adenocarcinoma. Last evaluated: 2024-10-11. Review status: criteria provided, single submitter. Criteria: Myriad Autosomal Dominant, Autosomal Recessive and X-Linked Classification Criteria (2023). Collection method: clinical testing. Allele origin: unknown.
Comment: This variant is considered likely benign. This variant is intronic and is not expected to impact mRNA splicing.